The following is an entry in ClinVar:

NM_138713.4(NFAT5):c.431G>A (p.Ser144Asn)

Gene: NFAT5 (nuclear factor of activated T cells 5; plus strand). Cytogenetic location: 16q22.1.
Variant type: single nucleotide variant.
Coding change: c.431G>A on transcript NM_138713.4 (MANE Select); coding-DNA position 431, G replaced by A.
Protein change: p.Ser144Asn; replaces serine 144 with asparagine.
Molecular consequence: missense variant. On other transcripts: intron variant (1).
Genome position (GRCh38, 1-based): chr16:69,647,205, G>A. VCF-style: chr16-69647205-G-A. GRCh37 (hg19) VCF-style: chr16-69681108-G-A.
Other names: c.431G>A, p.Ser144Asn (NM_001113178.3); c.377G>A, p.Ser126Asn (NM_006599.4); c.149G>A, p.Ser50Asn (NM_138714.4, NM_173214.3, NM_173215.3); c.140+38G>A (NM_001367709.1); short protein forms S50N, S126N, S144N.
Identifiers: ClinVar variation 2727994 (VCV002727994.3), dbSNP rs2543921704, ClinGen allele CA396484083.

ClinVar aggregate classification (germline): Uncertain significance (1 of 4 stars; one submission).

Conditions:
Immunodeficiency. Identifiers: MedGen C0021051, MONDO:0021094, HP:0002721.

Allele frequency attached by ClinVar (database versions not stated): gnomAD exomes below 0.00001.
gnomAD v4.1: 2 of 1,614,082 alleles (0.00012%); highest among the groups gnomAD compares: South Asian, 0.0011%; no homozygotes.

Submission:

Labcorp Genetics (formerly Invitae), Labcorp
Classification: Uncertain significance for Immunodeficiency. Last evaluated: 2023-02-18. Review status: criteria provided, single submitter. Criteria: Invitae Variant Classification Sherloc (09022015). Collection method: clinical testing. Allele origin: germline.
Comment: This sequence change replaces serine, which is neutral and polar, with asparagine, which is neutral and polar, at codon 50 of the NFAT5 protein (p.Ser50Asn). This variant is not present in population databases (gnomAD no frequency). This variant has not been reported in the literature in individuals affected with NFAT5-related conditions. An algorithm developed to predict the effect of missense changes on protein structure and function (PolyPhen-2) suggests that this variant is likely to be tolerated. In summary, the available evidence is currently insufficient to determine the role of this variant in disease. Therefore, it has been classified as a Variant of Uncertain Significance.